The following is an entry in ClinVar:

NM_016239.4(MYO15A):c.7235_7241del (p.Ile2412fs)

Gene: MYO15A (myosin XVA; plus strand). Cytogenetic location: 17p11.2.
Variant type: Deletion.
Coding change: c.7235_7241del on transcript NM_016239.4 (MANE Select); coding-DNA positions 7235 to 7241, 7 bases deleted (TTGCCTA; older notation c.7235_7241delTTGCCTA).
Protein change: p.Ile2412fs; shifts the reading frame from isoleucine 2412.
Molecular consequence: frameshift variant.
Genome position (GRCh38, 1-based): chr17:18,150,451-18,150,457, TTGCCTA deleted; deleting any 7 consecutive bases within chr17:18,150,450-18,150,457 gives the same sequence; the c. name uses the placement nearest the transcript's 3' end. VCF-style (leftmost placement, unchanged base first): chr17-18150449-CATTGCCT-C. GRCh37 (hg19) VCF-style: chr17-18053763-CATTGCCT-C.
Other names: short protein forms I2412fs.
Identifiers: ClinVar variation 3601387 (VCV003601387.1).
Genomic context (GRCh38, chr17:18,150,449, plus strand): 5'-CAATAATGAGATGGTCACTTGAGCCACCCACTGCCCCCAGGACCTGGAGAAGCCAACAGC[CATTGCCT>C]ACCGCATGAAAGGGGGAGGCCAGCCCGGTGGAGGCAGCAGTAGTGGTACTGAAGACACCC-3'

ClinVar aggregate classification (germline): Likely pathogenic (1 of 4 stars; one submission).

Conditions:
Autosomal recessive nonsyndromic hearing loss 3. Also called: NEUROSENSORY NONSYNDROMIC RECESSIVE DEAFNESS 3. Identifiers: Orphanet 90636, MedGen C1838263, MONDO:0010860, OMIM 600316.

Submission:

Institute of Rare Diseases, West China Hospital, Sichuan University
Classification: Likely pathogenic for Autosomal recessive nonsyndromic hearing loss 3. Last evaluated: 2025-01-09. Review status: criteria provided, single submitter. Criteria: ClinGen HL ACMG Specifications v1. Collection method: research. Allele origin: germline. Affected: yes.
Comment: PVS1;PM2_Supporting